The following is an entry in ClinVar:

ClinVar aggregate classification (germline): Uncertain significance (1 of 4 stars; one submission).

Submission:

GeneDx
Classification: Uncertain significance. Last evaluated: 2023-06-28. Review status: criteria provided, single submitter. Criteria: GeneDx Variant Classification Process June 2021. Collection method: clinical testing. Allele origin: germline. Affected: yes.
Comment: Not observed at significant frequency in large population cohorts (gnomAD); In silico analysis supports that this missense variant does not alter protein structure/function; Has not been previously published as pathogenic or benign to our knowledge

NM_001085458.2(CTNND1):c.2887C>G (p.Pro963Ala)

Genes: CTNND1 (catenin delta 1; plus strand), TMX2-CTNND1 (TMX2-CTNND1 readthrough (NMD candidate); plus strand). Cytogenetic location: 11q12.1.
Variant type: single nucleotide variant.
Coding change: c.2887C>G on transcript NM_001085458.2 (MANE Select); coding-DNA position 2887, C replaced by G.
Protein change: p.Pro963Ala; replaces proline 963 with alanine.
Molecular consequence: missense variant. On other transcripts: intron variant (13).
Genome position (GRCh38, 1-based): chr11:57,815,993, C>G. VCF-style: chr11-57815993-C-G. GRCh37 (hg19) VCF-style: chr11-57583465-C-G.
Other names: c.2869C>G, p.Pro957Ala (NM_001085459.2); c.2584C>G, p.Pro862Ala (NM_001085463.2); c.2566C>G, p.Pro856Ala (NM_001085464.2); c.2503C>G, p.Pro835Ala (NM_001085465.2); c.2725C>G, p.Pro909Ala (NM_001206883.2); c.2707C>G, p.Pro903Ala (NM_001206886.2); c.2644C>G, p.Pro882Ala (NM_001206887.2); c.2806C>G, p.Pro936Ala (NM_001331.3); and 6 more; short protein forms P835A, P856A, P862A, P882A, P903A, P909A, P936A, P957A.
Identifiers: ClinVar variation 3360652 (VCV003360652.1).